The following is an entry in ClinVar:

NM_000719.7(CACNA1C):c.688G>A (p.Gly230Arg)

Gene: CACNA1C (calcium voltage-gated channel subunit alpha1 C; plus strand). Cytogenetic location: 12p13.33.
Variant type: single nucleotide variant.
Coding change: c.688G>A on transcript NM_000719.7 (MANE Select); coding-DNA position 688, G replaced by A.
Protein change: p.Gly230Arg; replaces glycine 230 with arginine.
Molecular consequence: missense variant.
Genome position (GRCh38, 1-based): chr12:2,457,637, G>A. VCF-style: chr12-2457637-G-A. GRCh37 (hg19) VCF-style: chr12-2566803-G-A.
Other names: c.688G>A, p.Gly230Arg (NM_001129827.2, NM_001129829.2, NM_001129830.3 and 19 more transcripts); short protein forms G230R.
Identifiers: ClinVar variation 1803382 (VCV001803382.7), dbSNP rs1555615080, ClinGen allele CA383367769.

ClinVar aggregate classification (germline): Uncertain significance. Review status: criteria provided, multiple submitters, no conflicts (2 of 4 stars). 3 submissions from 3 submitters: Uncertain significance (3). Last evaluated 2024-10-07.

Conditions:
CACNA1C-related disorder. Also called: CACNA1C-related condition; CACNA1C-related disorders. Identifiers: MedGen CN381092, MONDO:0700321.
Long QT syndrome (LQTS). Identifiers: MedGen C0023976, MeSH D008133, MONDO:0002442. Disease mechanism: loss of function. Inheritance: Various modes of inheritance.

Submissions (3):

PreventionGenetics, part of Exact Sciences
Classification: Uncertain significance for CACNA1C-related condition. Last evaluated: 2024-10-07. Review status: criteria provided, single submitter. Criteria: ACMG Guidelines, 2015. Collection method: clinical testing. Allele origin: germline.
Comment: The CACNA1C c.688G>A variant is predicted to result in the amino acid substitution p.Gly230Arg. To our knowledge, this variant has not been reported in the literature or in a large population database (gnomAD), indicating this variant is rare. At this time, the clinical significance of this variant is uncertain due to the absence of conclusive functional and genetic evidence.

Labcorp Genetics (formerly Invitae), Labcorp
Classification: Uncertain significance for Long QT syndrome. Last evaluated: 2023-12-15. Review status: criteria provided, single submitter. Criteria: Invitae Variant Classification Sherloc (09022015). Collection method: clinical testing. Allele origin: germline.
Comment: This sequence change replaces glycine, which is neutral and non-polar, with arginine, which is basic and polar, at codon 230 of the CACNA1C protein (p.Gly230Arg). This variant is not present in population databases (gnomAD no frequency). This variant has not been reported in the literature in individuals affected with CACNA1C-related conditions. ClinVar contains an entry for this variant (Variation ID: 1803382). Advanced modeling of protein sequence and biophysical properties (such as structural, functional, and spatial information, amino acid conservation, physicochemical variation, residue mobility, and thermodynamic stability) performed at Invitae indicates that this missense variant is expected to disrupt CACNA1C protein function with a positive predictive value of 95%. In summary, the available evidence is currently insufficient to determine the role of this variant in disease. Therefore, it has been classified as a Variant of Uncertain Significance.

GeneDx
Classification: Uncertain significance. Last evaluated: 2022-06-09. Review status: criteria provided, single submitter. Criteria: GeneDx Variant Classification Process June 2021. Collection method: clinical testing. Allele origin: germline. Affected: yes.
Comment: Not observed at significant frequency in large population cohorts (gnomAD); In silico analysis supports that this missense variant has a deleterious effect on protein structure/function; Has not been previously published as pathogenic or benign to our knowledge